The following is an entry in ClinVar:

NM_001267550.2(TTN):c.80882C>T (p.Ala26961Val)

Genes: TTN (titin; minus strand), TTN-AS1 (TTN antisense RNA 1; plus strand). Cytogenetic location: 2q31.2.
Variant type: single nucleotide variant.
Coding change: c.80882C>T on transcript NM_001267550.2 (MANE Select); coding-DNA position 80882, C replaced by T.
Protein change: p.Ala26961Val; replaces alanine 26961 with valine.
Molecular consequence: missense variant.
Genome position (GRCh38, 1-based): chr2:178,565,250, G>A on the plus strand (C>T on the coding strand, the complement: TTN is on the minus strand). VCF-style: chr2-178565250-G-A. GRCh37 (hg19) VCF-style: chr2-179429977-G-A.
Other names: c.75959C>T, p.Ala25320Val (NM_001256850.1); c.53687C>T, p.Ala17896Val (NM_003319.4); c.73178C>T, p.Ala24393Val (NM_133378.4); c.54062C>T, p.Ala18021Val (NM_133432.3); c.54263C>T, p.Ala18088Val (NM_133437.4); short protein forms A24393V, A25320V, A26961V, A17896V, A18021V, A18088V.
Identifiers: ClinVar variation 282019 (VCV000282019.18), dbSNP rs749194310, ClinGen allele CA1989287.

ClinVar aggregate classification (germline): Conflicting classifications of pathogenicity. Review status: criteria provided, conflicting classifications (1 of 4 stars). 12 submissions from 8 submitters: Uncertain significance (8); Benign (1); Likely benign (3). Last evaluated 2025-09-26.

Conditions:
TTN-related disorder. Also called: TTN-related condition; TTN-related disease; TTN-related disorders.
Cardiovascular phenotype. Identifiers: MedGen CN230736.
Autosomal recessive limb-girdle muscular dystrophy type 2J (LGMDR10). Also called: MUSCULAR DYSTROPHY, LIMB-GIRDLE, AUTOSOMAL RECESSIVE 10; Limb-girdle muscular dystrophy, type 2J. Identifiers: Orphanet 140922, MedGen C1837342, MONDO:0012127, OMIM 608807.
Dilated cardiomyopathy 1G (CMD1G). Identifiers: Orphanet 154, MedGen C1858763, MONDO:0011400, OMIM 604145.
Cardiomyopathy (CMYO). Also called: Cardiomyopathies. Identifiers: Orphanet 167848, MedGen C0878544, MONDO:0004994, HP:0001638. Inheritance: Various modes of inheritance.
Myopathy, myofibrillar, 9, with early respiratory failure (MFM9). Also called: Myopathy, distal, with early respiratory failure, autosomal dominant; EDSTROM MYOPATHY; MYOPATHY, PROXIMAL, WITH EARLY RESPIRATORY MUSCLE INVOLVEMENT; Hereditary myopathy with early respiratory failure. Identifiers: Orphanet 178464, Orphanet 34521, MedGen C1863599, MONDO:0011362, OMIM 603689.
Early-onset myopathy with fatal cardiomyopathy (CMYO5). Also called: CONGENITAL MYOPATHY 5 WITH CARDIOMYOPATHY; Salih Myopathy. Identifiers: Orphanet 289377, MedGen C2673677, MONDO:0012714, OMIM 611705. Disease mechanism: loss of function.
Tibial muscular dystrophy (TMD). Also called: Tibial muscular dystrophy, tardive; UDD MYOPATHY; Udd Distal Myopathy – Tibial Muscular Dystrophy. Identifiers: Orphanet 609, MedGen C1838244, MONDO:0010870, OMIM 600334.

Allele frequency attached by ClinVar (database versions not stated): gnomAD 0.00003; TOPMed 0.00004; ExAC 0.00009.
gnomAD v4.1: 374 of 1,613,496 alleles (0.023%); highest among the groups gnomAD compares: Non-Finnish European, 0.031%; no homozygotes.

Submissions (12):

PreventionGenetics, part of Exact Sciences
Classification: Likely benign for TTN-related condition. Last evaluated: 2025-09-26. Review status: criteria provided, single submitter. Criteria: ACMG Guidelines, 2015. Collection method: clinical testing. Allele origin: germline.
Comment: This variant is classified as likely benign based on ACMG/AMP sequence variant interpretation guidelines (Richards et al. 2015 PMID: 25741868, with internal and published modifications).

Blueprint Genetics
Classification: Likely benign. Last evaluated: 2023-03-27. Review status: criteria provided, single submitter. Criteria: ACMG Guidelines, 2015. Collection method: clinical testing. Allele origin: germline.

CHEO Genetics Diagnostic Laboratory, Children's Hospital of Eastern Ontario
Classification: Uncertain significance for Cardiomyopathy. Last evaluated: 2021-05-26. Review status: criteria provided, single submitter. Criteria: ACMG Guidelines, 2015. Collection method: clinical testing. Allele origin: germline.

Ambry Genetics
Classification: Uncertain significance for Cardiovascular phenotype. Last evaluated: 2019-12-04. Review status: criteria provided, single submitter. Criteria: Ambry Variant Classification Scheme 2023. Collection method: clinical testing. Allele origin: germline.
Comment: The p.A17896V variant (also known as c.53687C>T), located in coding exon 153 of the TTN gene, results from a C to T substitution at nucleotide position 53687. The alanine at codon 17896 is replaced by valine, an amino acid with similar properties. This amino acid position is not well conserved in available vertebrate species. In addition, this alteration is predicted to be tolerated by in silico analysis. Since supporting evidence is limited at this time, the clinical significance of this alteration remains unclear.

Revvity Omics, Revvity
Classification: Uncertain significance. Last evaluated: 2019-05-15. Review status: criteria provided, single submitter. Criteria: ACMG Guidelines, 2015. Collection method: clinical testing. Allele origin: germline.

Illumina Laboratory Services, Illumina
Classification: Uncertain significance for Autosomal recessive limb-girdle muscular dystrophy type 2J. Last evaluated: 2018-01-13. Review status: criteria provided, single submitter. Criteria: ICSL Variant Classification Criteria 13 December 2019. Collection method: clinical testing. Allele origin: germline.

Illumina Laboratory Services, Illumina
Classification: Benign for Tibial muscular dystrophy. Last evaluated: 2018-01-13. Review status: criteria provided, single submitter. Criteria: ICSL Variant Classification Criteria 13 December 2019. Collection method: clinical testing. Allele origin: germline.
Comment: This variant was observed in the ICSL laboratory as part of a predisposition screen in an ostensibly healthy population. It had not been previously curated by ICSL or reported in the Human Gene Mutation Database (HGMD: prior to June 1st, 2018), and was therefore a candidate for classification through an automated scoring system. Utilizing variant allele frequency, disease prevalence and penetrance estimates, and inheritance mode, an automated score was calculated to assess if this variant is too frequent to cause the disease. Based on the score and internal cut-off values, a variant classified as benign is not then subjected to further curation. The score for this variant resulted in a classification of benign for this disease.

Illumina Laboratory Services, Illumina
Classification: Likely benign for Myopathy, myofibrillar, 9, with early respiratory failure. Last evaluated: 2018-01-13. Review status: criteria provided, single submitter. Criteria: ICSL Variant Classification Criteria 13 December 2019. Collection method: clinical testing. Allele origin: germline.
Comment: This variant was observed in the ICSL laboratory as part of a predisposition screen in an ostensibly healthy population. It had not been previously curated by ICSL or reported in the Human Gene Mutation Database (HGMD: prior to June 1st, 2018), and was therefore a candidate for classification through an automated scoring system. Utilizing variant allele frequency, disease prevalence and penetrance estimates, and inheritance mode, an automated score was calculated to assess if this variant is too frequent to cause the disease. Based on the score and internal cut-off values, a variant classified as likely benign is not then subjected to further curation. The score for this variant resulted in a classification of likely benign for this disease.

Illumina Laboratory Services, Illumina
Classification: Uncertain significance for Dilated cardiomyopathy 1G. Last evaluated: 2018-01-13. Review status: criteria provided, single submitter. Criteria: ICSL Variant Classification Criteria 13 December 2019. Collection method: clinical testing. Allele origin: germline.

Illumina Laboratory Services, Illumina
Classification: Uncertain significance for Early-onset myopathy with fatal cardiomyopathy. Last evaluated: 2018-01-13. Review status: criteria provided, single submitter. Criteria: ICSL Variant Classification Criteria 13 December 2019. Collection method: clinical testing. Allele origin: germline.

Labcorp Genetics (formerly Invitae), Labcorp
Classification: Uncertain significance for Dilated cardiomyopathy 1G; Autosomal recessive limb-girdle muscular dystrophy type 2J. Last evaluated: 2017-04-18. Review status: criteria provided, single submitter. Criteria: Invitae Variant Classification Sherloc (09022015). Collection method: clinical testing. Allele origin: germline.

Eurofins Ntd Llc (ga)
Classification: Uncertain significance. Last evaluated: 2015-07-15. Review status: criteria provided, single submitter. Criteria: EGL Classification Definitions 2015. Collection method: clinical testing. Allele origin: germline. Observed: 1 variant allele, 1 heterozygote.